The following is an entry in ClinVar:

ClinVar aggregate classification (germline): Pathogenic/Likely pathogenic. Review status: criteria provided, multiple submitters, no conflicts (2 of 4 stars). 3 submissions from 3 submitters: Pathogenic (1); Likely pathogenic (2). Last evaluated 2026-01-09.

Conditions:
Combined oxidative phosphorylation defect type 20. Also called: Combined oxidative phosphorylation deficiency 20. Identifiers: Orphanet 420728, MedGen C4014660, MONDO:0014397, OMIM 615917.

Allele frequency attached by ClinVar (database versions not stated): gnomAD 0.00002; 1000 Genomes Project 30x 0.00016; 1000 Genomes Project 0.00020; TOPMed 0.00003.
gnomAD v4.1: 38 of 1,584,142 alleles (0.0024%); highest among the groups gnomAD compares: Non-Finnish European, 0.0029%; no homozygotes.

Submissions (3):

Dasa
Classification: Likely pathogenic for Combined oxidative phosphorylation defect type 20. Last evaluated: 2026-01-09. Review status: criteria provided, single submitter. Criteria: DASA Assertion Criteria. Collection method: clinical testing. Allele origin: germline.
Comment: NM_020442.6(VARS2):c.1087C>T (p.Arg363*) is a nonsense variant in VARS2 predicted to introduce a premature termination codon and is predicted to result in an absent or altered protein product. Loss of function is an established disease mechanism for VARS2-associated disorders. Also, this variant is rare in population databases. Based on the currently available evidence, this variant is classified as likely pathogenic.

Labcorp Genetics (formerly Invitae), Labcorp
Classification: Pathogenic. Last evaluated: 2023-11-13. Review status: criteria provided, single submitter. Criteria: Invitae Variant Classification Sherloc (09022015). Collection method: clinical testing. Allele origin: germline.
Comment: This sequence change creates a premature translational stop signal (p.Arg393*) in the VARS2 gene. It is expected to result in an absent or disrupted protein product. Loss-of-function variants in VARS2 are known to be pathogenic (PMID: 29313548). This variant is present in population databases (rs578118592, gnomAD 0.003%). This variant has not been reported in the literature in individuals affected with VARS2-related conditions. ClinVar contains an entry for this variant (Variation ID: 1802002). For these reasons, this variant has been classified as Pathogenic.

GeneDx
Classification: Likely pathogenic. Last evaluated: 2022-11-25. Review status: criteria provided, single submitter. Criteria: GeneDx Variant Classification Process June 2021. Collection method: clinical testing. Allele origin: germline. Affected: yes.
Comment: Nonsense variant predicted to result in protein truncation or nonsense mediated decay in a gene for which loss-of-function is a known mechanism of disease; Not observed at a significant frequency in large population cohorts (gnomAD); Has not been previously published as pathogenic or benign to our knowledge

Literature cited by the submitters: PubMed 29313548 (cited by Labcorp Genetics (formerly Invitae), Labcorp).

NM_020442.6(VARS2):c.1087C>T (p.Arg363Ter)

Gene: VARS2 (valyl-tRNA synthetase 2, mitochondrial; plus strand). Cytogenetic location: 6p21.33.
Variant type: single nucleotide variant.
Coding change: c.1087C>T on transcript NM_020442.6 (MANE Select); coding-DNA position 1087, C replaced by T.
Protein change: p.Arg363Ter; replaces arginine 363 with a stop codon.
Molecular consequence: nonsense.
Genome position (GRCh38, 1-based): chr6:30,919,770, C>T. VCF-style: chr6-30919770-C-T. GRCh37 (hg19) VCF-style: chr6-30887547-C-T.
Other names: c.667C>T, p.Arg223Ter (NM_001167733.3); c.1177C>T, p.Arg393Ter (NM_001167734.2); short protein forms R223*, R363*, R393*.
Identifiers: ClinVar variation 1802002 (VCV001802002.6), dbSNP rs578118592, ClinGen allele CA136808008.